The following is an entry in ClinVar:

ClinVar aggregate classification (germline): Pathogenic (1 of 4 stars; one submission).

Conditions:
Fabry disease. Also called: ALPHA-GALACTOSIDASE A DEFICIENCY; ANDERSON-FABRY DISEASE; CERAMIDE TRIHEXOSIDASE DEFICIENCY; GLA DEFICIENCY; HEREDITARY DYSTOPIC LIPIDOSIS; Angiokeratoma corporis diffusum. Identifiers: Orphanet 324, MedGen C0002986, MONDO:0010526, OMIM 301500, HP:0001071. Disease mechanism: Fabry disease is due to inactivating mutations in the X-linked GLA gene resulting in deficiency of the enzyme Alpha Galactosidase-A., loss of function.

Submission:

Genomenon, Inc
Classification: Pathogenic for Fabry disease. Last evaluated: 2026-09-08. Review status: criteria provided, single submitter. Criteria: Genomenon Sequence Variant Interpretation Standards - Updated. Collection method: curation. Allele origin: germline. Affected: yes.
Comment: GLA p.Cys52Ser (c.154T>A) is a missense variant that changes the amino acid at codon 52 from Cysteine to Serine. This variant has been observed in at least one proband with clinical features consistent with Fabry disease (PMID:39182239). The variant was found to segregate with disease in at least one affected family (PMID:39182239). At least one functional study has demonstrated a substantial alteration in protein function relative to the wild-type (PMID:27657681;26044846). This variant is located in a mutational hotspot and/or important functional domain. It is absent or not present at a significant frequency in gnomAD. In silico models predict that this variant is possibly or probably damaging. In conclusion, we classify GLA p.Cys52Ser (c.154T>A) as a pathogenic variant.

Literature cited by the submitters: PubMed 39182239; PubMed 27657681; PubMed 26044846.

NM_000169.3(GLA):c.154T>A (p.Cys52Ser)

Genes: GLA (galactosidase alpha; minus strand), RPL36A-HNRNPH2 (RPL36A-HNRNPH2 readthrough; plus strand). Cytogenetic location: Xq22.1.
Variant type: single nucleotide variant.
Coding change: c.154T>A on transcript NM_000169.3 (MANE Select); coding-DNA position 154, T replaced by A.
Protein change: p.Cys52Ser; replaces cysteine 52 with serine.
Molecular consequence: missense variant. On other transcripts: non-coding transcript variant (3), intron variant (2).
Genome position (GRCh38, 1-based): chrX:101,407,750, A>T on the plus strand (T>A on the coding strand, the complement: GLA is on the minus strand). VCF-style: chrX-101407750-A-T. GRCh37 (hg19) VCF-style: chrX-100662738-A-T.
Other names: c.154T>A, p.Cys52Ser (NM_001406747.1, NM_001406748.1, NM_001406749.1); c.301-4186A>T (NM_001199973.2); c.178-4186A>T (NM_001199974.2); short protein forms C52S.
Identifiers: ClinVar variation 4087281 (VCV004087281.2).